The following is an entry in ClinVar:

NM_000535.7(PMS2):c.182del (p.Tyr61fs)

Gene: PMS2 (PMS1 homolog 2, mismatch repair system component; minus strand). Cytogenetic location: 7p22.1.
Variant type: Deletion.
Coding change: c.182del on transcript NM_000535.7 (MANE Select); coding-DNA position 182, one base deleted (A; older notation c.182delA).
Protein change: p.Tyr61fs; shifts the reading frame from tyrosine 61.
Molecular consequence: frameshift variant. On other transcripts: 5 prime UTR variant (11), non-coding transcript variant (1).
Genome position (GRCh38, 1-based): chr7:6,004,040, T deleted on the plus strand (A on the coding strand, the reverse complement: PMS2 is on the minus strand). VCF-style (leftmost placement, unchanged base first): chr7-6004039-AT-A. GRCh37 (hg19) VCF-style: chr7-6043670-AT-A.
Other names: c.-224del (NM_001322003.2, NM_001322004.2, NM_001322005.2 and 3 more transcripts); c.182del, p.Tyr61fs (NM_001322006.2, NM_001322014.2); c.-34del (NM_001322007.2, NM_001322008.2); c.-703del (NM_001322011.2, NM_001322012.2); c.-303del (NM_001322015.2); short protein forms Y61fs.
Identifiers: ClinVar variation 91316 (VCV000091316.9), dbSNP rs63750793, ClinGen allele CA010323.
Genomic context (GRCh38, chr7:6,004,039, plus strand): 5'-TTCGAAGTTTTCTTCTTCTACCCCACATCCATTGTCTGAAACTTCAATAAGATCCACTCC[AT>A]AGTCCTTAAGCTTTAGATCTAGAAAGTTTAAAATATTTACATATTTATTAAAAACGGACC-3'

ClinVar aggregate classification (germline): Pathogenic. Review status: reviewed by expert panel (3 of 4 stars). 5 submissions from 5 submitters: Pathogenic (1). 4 of the submissions do not count toward it. Last evaluated 2013-09-05.

Conditions:
Hereditary cancer-predisposing syndrome. Also called: Tumor predisposition; Hereditary Cancer Syndrome; Hereditary neoplastic syndrome; Neoplastic Syndromes, Hereditary. Identifiers: Orphanet 140162, MedGen C0027672, MeSH D009386, MONDO:0015356.
Lynch syndrome. Identifiers: Orphanet 144, MedGen C4552100, MONDO:0005835. Disease mechanism: loss of function.
Mismatch repair cancer syndrome 4. Identifiers: MedGen C5436817, MONDO:0030843, OMIM 619101.
Hereditary nonpolyposis colorectal neoplasms. Identifiers: MedGen C0009405, MeSH D003123.
Lynch syndrome 4 (LYNCH4). Also called: Colorectal cancer, hereditary nonpolyposis, type 4; Hereditary non-polyposis colorectal cancer, type 4. Identifiers: Orphanet 144, MedGen C1838333, MONDO:0013699, OMIM 614337. Disease mechanism: loss of function.

Submissions (5):

International Society for Gastrointestinal Hereditary Tumours (InSiGHT)
Classification: Pathogenic for Lynch Syndrome. Last evaluated: 2013-09-05. Review status: reviewed by expert panel. Criteria: Guidelines v1.9. Collection method: research. Allele origin: germline.
Comment: Coding sequence variation resulting in a stop codon

Classified with v1.9 guidelines

Ambry Genetics
Classification: Pathogenic for Hereditary cancer-predisposing syndrome. Last evaluated: 2024-09-25. Review status: criteria provided, single submitter. Criteria: Ambry Variant Classification Scheme 2023. Collection method: clinical testing. Allele origin: germline. Not counted in ClinVar's aggregate classification.
Comment: The c.182delA pathogenic mutation, located in coding exon 3 of the PMS2 gene, results from a deletion of one nucleotide at nucleotide position 182, causing a translational frameshift with a predicted alternate stop codon (p.Y61Lfs*15). This variant has been identified in the homozygous state in individual(s) with features consistent with PMS2-related constitutional mismatch repair deficiency (Etzler J et al. Hum Mutat, 2008 Feb;29:299-305). This variant is considered to be rare based on population cohorts in the Genome Aggregation Database (gnomAD). This alteration is expected to result in loss of function by premature protein truncation or nonsense-mediated mRNA decay. As such, this alteration is interpreted as a disease-causing mutation.

Myriad Genetics, Inc.
Classification: Pathogenic for Lynch syndrome 4. Last evaluated: 2023-09-18. Review status: criteria provided, single submitter. Criteria: Myriad Autosomal Dominant, Autosomal Recessive and X-Linked Classification Criteria (2023). Collection method: clinical testing. Allele origin: unknown. Not counted in ClinVar's aggregate classification.
Comment: This variant is considered pathogenic. This variant creates a frameshift predicted to result in premature protein truncation.

Labcorp Genetics (formerly Invitae), Labcorp
Classification: Pathogenic for Hereditary nonpolyposis colorectal neoplasms. Last evaluated: 2022-04-19. Review status: criteria provided, single submitter. Criteria: Invitae Variant Classification Sherloc (09022015). Collection method: clinical testing. Allele origin: germline. Not counted in ClinVar's aggregate classification.
Comment: For these reasons, this variant has been classified as Pathogenic. ClinVar contains an entry for this variant (Variation ID: 91316). This premature translational stop signal has been observed in individual(s) with clinical features of neurofibromatosis type 1 (PMID: 18030674). This variant is not present in population databases (gnomAD no frequency). This sequence change creates a premature translational stop signal (p.Tyr61Leufs*15) in the PMS2 gene. It is expected to result in an absent or disrupted protein product. Loss-of-function variants in PMS2 are known to be pathogenic (PMID: 21376568, 24362816).

OMIM
Classification: Pathogenic for MISMATCH REPAIR CANCER SYNDROME 4. Last evaluated: 2008-02-01. Review status: no assertion criteria provided. Collection method: literature only. Allele origin: germline. Not counted in ClinVar's aggregate classification.

Literature cited by the submitters: PubMed 18030674 (cited by 3 submitters); PubMed 21376568 (cited by Labcorp Genetics (formerly Invitae), Labcorp); PubMed 24362816 (cited by Labcorp Genetics (formerly Invitae), Labcorp).